The following is an entry in ClinVar:

NM_004333.6(BRAF):c.1518-118T>A

Gene: BRAF (B-Raf proto-oncogene, serine/threonine kinase; minus strand). Cytogenetic location: 7q34.
Variant type: single nucleotide variant.
Coding change: c.1518-118T>A on transcript NM_004333.6 (MANE Select); 118 bases into the intron before coding-DNA position 1518, T replaced by A.
Molecular consequence: intron variant.
Genome position (GRCh38, 1-based): chr7:140,777,206, A>T on the plus strand (T>A on the coding strand, the complement: BRAF is on the minus strand). VCF-style: chr7-140777206-A-T. GRCh37 (hg19) VCF-style: chr7-140477006-A-T.
Other names: c.1518-118T>A (NM_001378474.1, NM_001378468.1, NM_001354609.2); c.1416-118T>A (NM_001378470.1); c.1254-118T>A (NM_001378475.1); c.1407-118T>A (NM_001378471.1); c.1638-118T>A (NM_001374258.1, NM_001374244.1); c.1527-118T>A (NM_001378467.1); c.1362-118T>A (NM_001378472.1, NM_001378473.1); c.1452-118T>A (NM_001378469.1).
Identifiers: ClinVar variation 561362 (VCV000561362.2), dbSNP rs7806794, ClinGen allele CA16317178.

ClinVar aggregate classification (germline): Benign. Review status: criteria provided, multiple submitters, no conflicts (2 of 4 stars). 2 submissions from 2 submitters: Benign (2). Last evaluated 2018-06-18.

Allele frequency attached by ClinVar (database versions not stated): gnomAD exomes 0.08616; gnomAD 0.18469 and 0.19082; TOPMed 0.19720; 1000 Genomes Project 0.19868.
gnomAD v4.1: 98,588 of 965,840 alleles (10%); highest among the groups gnomAD compares: African/African-American, 44%; 6,440 homozygotes.

Submissions (2):

GeneDx
Classification: Benign. Last evaluated: 2018-06-18. Review status: criteria provided, single submitter. Criteria: GeneDx Variant Classification (06012015). Collection method: clinical testing. Allele origin: germline. Affected: yes.
Comment: This variant is considered likely benign or benign based on one or more of the following criteria: it is a conservative change, it occurs at a poorly conserved position in the protein, it is predicted to be benign by multiple in silico algorithms, and/or has population frequency not consistent with disease.

Breakthrough Genomics
Classification: Benign. Review status: criteria provided, single submitter. Criteria: ACMG Guidelines, 2015. Collection method: not provided. Allele origin: germline. Inheritance: Autosomal dominant inheritance. Affected: yes.